The following is an entry in ClinVar:

ClinVar aggregate classification (germline): Uncertain significance. Review status: criteria provided, multiple submitters, no conflicts (2 of 4 stars). 5 submissions from 5 submitters: Uncertain significance (5). Last evaluated 2026-02-01.

Conditions:
RASA1-related disorder. Also called: RASA1-related condition.
Capillary malformation-arteriovenous malformation syndrome. Also called: Capillary malformation-arteriovenous malformation. Identifiers: Orphanet 137667, MedGen C1842180, MONDO:0012016.
Cardiovascular phenotype. Identifiers: MedGen CN230736.

Allele frequency attached by ClinVar (database versions not stated): TOPMed 0.00014; 1000 Genomes Project 30x 0.00062; gnomAD exomes 0.00011 and 0.00006; ExAC 0.00007; gnomAD 0.00011 and 0.00015; ESP Exome Variant Server 0.00008; 1000 Genomes Project 0.00060.
gnomAD v4.1: 120 of 1,611,784 alleles (0.0074%); highest among the groups gnomAD compares: Admixed American, 0.04%; no homozygotes.

Submissions (5):

Labcorp Genetics (formerly Invitae), Labcorp
Classification: Uncertain significance for Capillary malformation-arteriovenous malformation syndrome. Last evaluated: 2026-02-01. Review status: criteria provided, single submitter. Criteria: Invitae Variant Classification Sherloc (09022015). Collection method: clinical testing. Allele origin: germline.
Comment: This sequence change replaces isoleucine, which is neutral and non-polar, with valine, which is neutral and non-polar, at codon 909 of the RASA1 protein (p.Ile909Val). This variant is present in population databases (rs113316011, gnomAD 0.04%), and has an allele count higher than expected for a pathogenic variant. This variant has not been reported in the literature in individuals affected with RASA1-related conditions. ClinVar contains an entry for this variant (Variation ID: 618342). An algorithm developed to predict the effect of missense changes on protein structure and function (PolyPhen-2) suggests that this variant is likely to be disruptive. In summary, the available evidence is currently insufficient to determine the role of this variant in disease. Therefore, it has been classified as a Variant of Uncertain Significance.

PreventionGenetics, part of Exact Sciences
Classification: Uncertain significance for RASA1-related condition. Last evaluated: 2024-12-14. Review status: criteria provided, single submitter. Criteria: ACMG Guidelines, 2015. Collection method: clinical testing. Allele origin: germline.
Comment: The RASA1 c.2725A>G variant is predicted to result in the amino acid substitution p.Ile909Val. To our knowledge, this variant has not been reported in the literature. This variant is reported in 0.045% of alleles in individuals of Latino descent in gnomAD. At this time, the clinical significance of this variant is uncertain due to the absence of conclusive functional and genetic evidence.

Ambry Genetics
Classification: Uncertain significance for Cardiovascular phenotype. Last evaluated: 2021-07-27. Review status: criteria provided, single submitter. Criteria: Ambry Variant Classification Scheme 2023. Collection method: clinical testing. Allele origin: germline.
Comment: The p.I909V variant (also known as c.2725A>G), located in coding exon 21 of the RASA1 gene, results from an A to G substitution at nucleotide position 2725. The isoleucine at codon 909 is replaced by valine, an amino acid with highly similar properties. This amino acid position is conserved. In addition, the in silico prediction for this alteration is inconclusive. Since supporting evidence is limited at this time, the clinical significance of this alteration remains unclear.

ARUP Laboratories, Molecular Genetics and Genomics, ARUP Laboratories
Classification: Uncertain significance. Last evaluated: 2017-10-13. Review status: criteria provided, single submitter. Criteria: ARUP Molecular Germline Variant Investigation Process. Collection method: clinical testing. Allele origin: germline.
Comment: The p.Ile909Val variant (rs113316011) has not been reported in the medical literature, is not listed in gene-specific variant databases, nor has it been previously identified in our laboratory. The p.Ile909Val variant is listed in the Genome Aggregation Database (gnomAD) browser with an overall allele frequency of 0.010% (identified in 28 out of 276,160 chromosomes). The isoleucine at codon 909 is highly conserved considering 11 species up to bakerâ€™s yeast (Alamut software v2.10.0), and computational analyses predict conflicting effects of this variant on protein structure/function (SIFT: damaging, PolyPhen2: benign, MutationTaster: disease causing). Based on the available information, the clinical significance of the p.Ile909Val variant cannot be determined with certainty.

Seattle Children's Hospital Molecular Genetics Laboratory, Seattle Children's Hospital
Classification: Uncertain significance. Review status: criteria provided, single submitter. Criteria: ACMG Guidelines, 2015. Collection method: clinical testing. Allele origin: germline. Affected: yes.
Comment: The p.Ile909Val variant substitutes the isoleucine at amino acid position 909 with a valine. This variant occurs in the Ras-GAP domain (Uniprot: 20936) of the RASA1 protein. This variant is present at a low frequency in large population studies (120 of 1,611,784 alleles, gnomAD v4.0.0). In silico predictions trend towards damaging but are inconclusive. This variant is absent from the medical literature, but has been reported in few individuals in patient databases (ClinVar, Franklin).

NM_002890.3(RASA1):c.2725A>G (p.Ile909Val)

Genes: CCNH (cyclin H; minus strand), RASA1 (RAS p21 protein activator 1; plus strand). Cytogenetic location: 5q14.3.
Variant type: single nucleotide variant.
Coding change: c.2725A>G on transcript NM_002890.3 (MANE Select); coding-DNA position 2725, A replaced by G.
Protein change: p.Ile909Val; replaces isoleucine 909 with valine.
Molecular consequence: missense variant. On other transcripts: intron variant (1).
Genome position (GRCh38, 1-based): chr5:87,383,747, A>G. VCF-style: chr5-87383747-A-G. GRCh37 (hg19) VCF-style: chr5-86679564-A-G.
Other names: c.2194A>G, p.Ile732Val (NM_022650.3); c.933+11297T>C (NM_001364075.2); short protein forms I909V, I732V.
Identifiers: ClinVar variation 618342 (VCV000618342.19), dbSNP rs113316011, ClinGen allele CA3336082.